The following is an entry in ClinVar:

ClinVar aggregate classification (germline): Likely benign (1 of 4 stars; one submission).

Allele frequency attached by ClinVar (database versions not stated): gnomAD exomes 0.00001; TOPMed 0.00001; gnomAD 0.00002.

Submission:

CeGaT Center for Human Genetics Tuebingen
Classification: Likely benign. Last evaluated: 2022-03-01. Review status: criteria provided, single submitter. Criteria: CeGaT Center For Human Genetics Tuebingen Variant Classification Criteria Version 2. Collection method: clinical testing. Allele origin: germline. Affected: yes. Observed: 1 variant allele.
Comment: GHRHR: BP4

NM_000823.4(GHRHR):c.1244C>T (p.Ala415Val)

Gene: GHRHR (growth hormone releasing hormone receptor; plus strand). Cytogenetic location: 7p14.3.
Variant type: single nucleotide variant.
Coding change: c.1244C>T on transcript NM_000823.4 (MANE Select); coding-DNA position 1244, C replaced by T.
Protein change: p.Ala415Val; replaces alanine 415 with valine.
Molecular consequence: missense variant.
Genome position (GRCh38, 1-based): chr7:30,979,216, C>T. VCF-style: chr7-30979216-C-T. GRCh37 (hg19) VCF-style: chr7-31018831-C-T.
Other names: short protein forms A415V.
Identifiers: ClinVar variation 2657377 (VCV002657377.24), dbSNP rs991975747, ClinGen allele CA156120575.